The following is an entry in ClinVar:

NM_000393.5(COL5A2):c.437G>A (p.Arg146Gln)

Gene: COL5A2 (collagen type V alpha 2 chain; minus strand). Cytogenetic location: 2q32.2.
Variant type: single nucleotide variant.
Coding change: c.437G>A on transcript NM_000393.5 (MANE Select); coding-DNA position 437, G replaced by A.
Protein change: p.Arg146Gln; replaces arginine 146 with glutamine.
Molecular consequence: missense variant.
Genome position (GRCh38, 1-based): chr2:189,097,296, C>T on the plus strand (G>A on the coding strand, the complement: COL5A2 is on the minus strand). VCF-style: chr2-189097296-C-T. GRCh37 (hg19) VCF-style: chr2-189962022-C-T.
Other names: p.R146Q:CGA>CAA; short protein forms R146Q.
Identifiers: ClinVar variation 213161 (VCV000213161.21), dbSNP rs144430633, ClinGen allele CA325198.

ClinVar aggregate classification (germline): Conflicting classifications of pathogenicity. Review status: criteria provided, conflicting classifications (1 of 4 stars). 5 submissions from 5 submitters: Uncertain significance (4); Benign (1). Last evaluated 2025-12-24.

Conditions:
Ehlers-Danlos syndrome, classic type, 1 (EDSCL1). Also called: Ehlers-Danlos Syndrome, Classic Type, COL5A1-Related; EHLERS-DANLOS SYNDROME, GRAVIS TYPE; EHLERS-DANLOS SYNDROME, SEVERE CLASSIC TYPE; Ehlers-Danlos syndrome, type 1; EDS I. Identifiers: MedGen C0268335, MONDO:0019567, OMIM 130000.
Ehlers-Danlos syndrome, classic type, 2 (EDSCL2). Also called: Ehlers-Danlos Syndrome, Classic Type, COL5A2-Related; Ehlers-Danlos syndrome type 2 (formerly); Ehlers-Danlos syndrome, type 2. Identifiers: Orphanet 287, Orphanet 90318, MedGen C0268336, MONDO:0019568, OMIM 130010.
Ehlers-Danlos syndrome (EDS). Identifiers: Orphanet 98249, MedGen C0013720, MONDO:0020066.
Familial thoracic aortic aneurysm and aortic dissection (TAAD). Also called: Thoracic aortic aneurysms and dissections. Identifiers: Orphanet 91387, MedGen C4707243, MONDO:0019625.

Allele frequency attached by ClinVar (database versions not stated): ExAC 0.00007; gnomAD 0.00007 and 0.00006; TOPMed 0.00007; ESP Exome Variant Server 0.00015; 1000 Genomes Project 30x 0.00016; 1000 Genomes Project 0.00020; gnomAD exomes 0.00002 and 0.00005.
gnomAD v4.1: 36 of 1,614,096 alleles (0.0022%); highest among the groups gnomAD compares: African/African-American, 0.016%; no homozygotes.

Submissions (5):

Labcorp Genetics (formerly Invitae), Labcorp
Classification: Benign for Ehlers-Danlos syndrome, classic type, 1. Last evaluated: 2025-12-24. Review status: criteria provided, single submitter. Criteria: Invitae Variant Classification Sherloc (09022015). Collection method: clinical testing. Allele origin: germline.

Fulgent Genetics
Classification: Uncertain significance for Ehlers-Danlos syndrome, classic type, 2. Last evaluated: 2021-10-08. Review status: criteria provided, single submitter. Criteria: ACMG Guidelines, 2015. Collection method: clinical testing. Allele origin: unknown.

Genome Diagnostics Laboratory, The Hospital for Sick Children
Classification: Uncertain significance for Ehlers-Danlos syndrome. Last evaluated: 2021-04-14. Review status: criteria provided, single submitter. Criteria: ACMG Guidelines, 2015. Collection method: clinical testing. Allele origin: germline.

GeneDx
Classification: Uncertain significance. Last evaluated: 2018-12-06. Review status: criteria provided, single submitter. Criteria: GeneDx Variant Classification (06012015). Collection method: clinical testing. Allele origin: germline. Affected: yes.
Comment: TAAD is a genetically heterogeneous disorder characterized by aortic dilatation, aneurysms, dissections and/or aneurysms of other major arteries. Approximately 4% of patients with autosomal dominant Ehlers-Danlos syndrome, classic type, have been reported to have a mutation in the COL5A2 gene (Malfait F et al., 2011). p.Arg146Gln (CGA>CAA): c.437 G>A in exon 6 of the COL5A2 gene (NM_000393.3) A variant of unknown significance has been identified in the COL5A2 gene. The R146Q variant has not been published as a mutation, nor has it been reported as a benign polymorphism to our knowledge. The R146Q variant was not observed with any significance in approximately 6,500 individuals of European and African American ancestry in the NHLBI Exome Sequencing Project, indicating it is not a common benign variant in these populations. The R146Q variant is a semi-conservative amino acid substitution, which may impact secondary protein structure as these residues differ in some properties. Additionally, this substitution occurs at a position that is conserved across species and in silico analysis predicts this variant is probably damaging to the protein structure/function. However, missense mutations in nearby residues have not been indicating this region of the protein may be tolerant of change. Therefore, based on the currently available information, it is unclear whether this variant is a pathogenic mutation or a rare benign variant. This variant was found in TAAD.

Ambry Genetics
Classification: Uncertain significance for Familial thoracic aortic aneurysm and aortic dissection. Last evaluated: 2017-09-13. Review status: criteria provided, single submitter. Criteria: Ambry Variant Classification Scheme 2023. Collection method: clinical testing. Allele origin: germline.
Comment: The p.R146Q variant (also known as c.437G>A), located in coding exon 6 of the COL5A2 gene, results from a G to A substitution at nucleotide position 437. The arginine at codon 146 is replaced by glutamine, an amino acid with highly similar properties. This amino acid position is highly conserved in available vertebrate species. In addition, the in silico prediction for this alteration is inconclusive. Since supporting evidence is limited at this time, the clinical significance of this alteration remains unclear.